The following is an entry in ClinVar:

NM_001009999.3(KDM1A):c.1898C>T (p.Ser633Phe)

Gene: KDM1A (lysine demethylase 1A; plus strand). Cytogenetic location: 1p36.12.
Variant type: single nucleotide variant.
Coding change: c.1898C>T on transcript NM_001009999.3 (MANE Select); coding-DNA position 1898, C replaced by T.
Protein change: p.Ser633Phe; replaces serine 633 with phenylalanine.
Molecular consequence: missense variant.
Genome position (GRCh38, 1-based): chr1:23,079,020, C>T. VCF-style: chr1-23079020-C-T. GRCh37 (hg19) VCF-style: chr1-23405513-C-T.
Other names: c.1844C>T, p.Ser615Phe (NM_001363654.2); c.1904C>T, p.Ser635Phe (NM_001410762.1); c.1826C>T, p.Ser609Phe (NM_001410763.1, NM_015013.4); short protein forms S615F, S609F, S633F, S635F.
Identifiers: ClinVar variation 4091090 (VCV004091090.1).
Genomic context (GRCh38, chr1:23,079,020, plus strand): 5'-CACTAGTCTTTTCCCACCCAACCTCTGCAGGATGTGAAGTGATAGCTGTGAATACCCGCT[C>T]CACGAGTCAAACCTTTATTTATAAATGCGACGCAGTTCTCTGTACCCTTCCCCTGGGTGT-3'
Protein context (NP_001009999.1, residues 623-643): GCEVIAVNTR[Ser633Phe]TSQTFIYKCD

ClinVar aggregate classification (germline): Uncertain significance (1 of 4 stars; one submission).

Conditions:
Inborn genetic diseases. Identifiers: MedGen C0950123, MeSH D030342.

Submission:

Ambry Genetics
Classification: Uncertain significance for Inborn genetic diseases. Last evaluated: 2025-08-08. Review status: criteria provided, single submitter. Criteria: Ambry Variant Classification Scheme 2023. Collection method: clinical testing. Allele origin: germline.
Comment: The p.S633F variant (also known as c.1898C>T), located in coding exon 17 of the KDM1A gene, results from a C to T substitution at nucleotide position 1898. The serine at codon 633 is replaced by phenylalanine, an amino acid with highly dissimilar properties. This amino acid position is conserved. In addition, the in silico prediction for this alteration is inconclusive. Based on the available evidence, the clinical significance of this variant remains unclear.